The following is an entry in ClinVar:

ClinVar aggregate classification (germline): Likely benign (1 of 4 stars; one submission).

Allele frequency attached by ClinVar (database versions not stated): TOPMed 0.00001.

Submission:

GeneDx
Classification: Likely benign. Last evaluated: 2018-02-07. Review status: criteria provided, single submitter. Criteria: GeneDx Variant Classification (06012015). Collection method: clinical testing. Allele origin: germline. Affected: yes.
Comment: This variant is considered likely benign or benign based on one or more of the following criteria: it is a conservative change, it occurs at a poorly conserved position in the protein, it is predicted to be benign by multiple in silico algorithms, and/or has population frequency not consistent with disease.

NM_001134407.3(GRIN2A):c.2930A>G (p.Asn977Ser)

Gene: GRIN2A (glutamate ionotropic receptor NMDA type subunit 2A; minus strand). Cytogenetic location: 16p13.2.
Variant type: single nucleotide variant.
Coding change: c.2930A>G on transcript NM_001134407.3 (MANE Select); coding-DNA position 2930, A replaced by G.
Protein change: p.Asn977Ser; replaces asparagine 977 with serine.
Molecular consequence: missense variant.
Genome position (GRCh38, 1-based): chr16:9,764,614, T>C on the plus strand (A>G on the coding strand, the complement: GRIN2A is on the minus strand). VCF-style: chr16-9764614-T-C. GRCh37 (hg19) VCF-style: chr16-9858471-T-C.
Other names: c.2930A>G, p.Asn977Ser (NM_000833.5, NM_001134408.2); short protein forms N977S.
Identifiers: ClinVar variation 515190 (VCV000515190.1), dbSNP rs1555482808, ClinGen allele CA394709039.